The following is an entry in ClinVar:

NM_004006.3(DMD):c.7237G>A (p.Val2413Ile)

Gene: DMD (dystrophin; minus strand). Cytogenetic location: Xp21.1.
Variant type: single nucleotide variant.
Coding change: c.7237G>A on transcript NM_004006.3 (MANE Select); coding-DNA position 7237, G replaced by A.
Protein change: p.Val2413Ile; replaces valine 2413 with isoleucine.
Molecular consequence: missense variant. On other transcripts: 5 prime UTR variant (5).
Genome position (GRCh38, 1-based): chrX:31,820,047, C>T on the plus strand (G>A on the coding strand, the complement: DMD is on the minus strand). VCF-style: chrX-31820047-C-T. GRCh37 (hg19) VCF-style: chrX-31838164-C-T.
Other names: c.7213G>A, p.Val2405Ile (NM_000109.4); c.7225G>A, p.Val2409Ile (NM_004009.3); c.6868G>A, p.Val2290Ile (NM_004010.3); c.3214G>A, p.Val1072Ile (NM_004011.4); c.3205G>A, p.Val1069Ile (NM_004012.4); c.-144G>A (NM_004013.3, NM_004020.4, NM_004021.3 and 2 more transcripts); short protein forms V2413I, V1072I, V2409I, V2290I, V1069I, V2405I.
Identifiers: ClinVar variation 518995 (VCV000518995.14), dbSNP rs373604575, ClinGen allele CA328476080.

ClinVar aggregate classification (germline): Uncertain significance. Review status: criteria provided, multiple submitters, no conflicts (2 of 4 stars). 4 submissions from 4 submitters: Uncertain significance (3). 1 of the submissions does not count toward it. Last evaluated 2026-01-21.

Conditions:
Cardiovascular phenotype. Identifiers: MedGen CN230736.
Dystrophin deficiency.
Cardiomyopathy (CMYO). Also called: Cardiomyopathies. Identifiers: Orphanet 167848, MedGen C0878544, MONDO:0004994, HP:0001638. Inheritance: Various modes of inheritance.
Becker muscular dystrophy (BMD). Also called: Becker Muscular Dystrophy (BMD); MUSCULAR DYSTROPHY, PSEUDOHYPERTROPHIC PROGRESSIVE, BECKER TYPE. Identifiers: Orphanet 98895, MedGen C0917713, MONDO:0010311, OMIM 300376.
Duchenne muscular dystrophy (DMD). Also called: Duchenne Muscular Dystrophy (DMD); MUSCULAR DYSTROPHY, PSEUDOHYPERTROPHIC PROGRESSIVE, DUCHENNE TYPE. Identifiers: Orphanet 98896, MedGen C0013264, MONDO:0010679, OMIM 310200.
Dilated cardiomyopathy 3B (CMD3B). Also called: CMD3B: DMD-Related Dilated Cardiomyopathy; CARDIOMYOPATHY, DILATED, X-LINKED; DMD-Associated Dilated Cardiomyopathy. Identifiers: Orphanet 154, MedGen C3668940, MONDO:0010542, OMIM 302045.

Allele frequency attached by ClinVar (database versions not stated): TOPMed 0.00002.
gnomAD v4.1: 2 of 1,211,472 alleles (0.00017%); no homozygotes.

Submissions (4):

Labcorp Genetics (formerly Invitae), Labcorp
Classification: Uncertain significance for Duchenne muscular dystrophy. Last evaluated: 2026-01-21. Review status: criteria provided, single submitter. Criteria: Invitae Variant Classification Sherloc (09022015). Collection method: clinical testing. Allele origin: germline.
Comment: This sequence change replaces valine, which is neutral and non-polar, with isoleucine, which is neutral and non-polar, at codon 2413 of the DMD protein (p.Val2413Ile). This variant is not present in population databases (gnomAD no frequency). This variant has not been reported in the literature in individuals affected with DMD-related conditions. ClinVar contains an entry for this variant (Variation ID: 518995). Invitae Evidence Modeling of protein sequence and biophysical properties (such as structural, functional, and spatial information, amino acid conservation, physicochemical variation, residue mobility, and thermodynamic stability) indicates that this missense variant is not expected to disrupt DMD protein function with a negative predictive value of 95%. In summary, the available evidence is currently insufficient to determine the role of this variant in disease. Therefore, it has been classified as a Variant of Uncertain Significance.

Illumina Laboratory Services, Illumina
Classification: Uncertain significance for Dilated cardiomyopathy 3B. Last evaluated: 2018-01-13. Review status: criteria provided, single submitter. Criteria: ICSL Variant Classification Criteria 13 December 2019. Collection method: clinical testing. Allele origin: germline.

Ambry Genetics
Classification: Uncertain significance for Cardiovascular phenotype. Last evaluated: 2017-04-28. Review status: criteria provided, single submitter. Criteria: Ambry Variant Classification Scheme 2023. Collection method: clinical testing. Allele origin: germline.
Comment: The p.V2413I variant (also known as c.7237G>A), located in coding exon 50 of the DMD gene, results from a G to A substitution at nucleotide position 7237. The valine at codon 2413 is replaced by isoleucine, an amino acid with highly similar properties. This amino acid position is highly conserved in available vertebrate species; however, isoleucine is the reference amino acid in other vertebrate species. In addition, this alteration is predicted to be tolerated by in silico analysis. Since supporting evidence is limited at this time, the clinical significance of this alteration remains unclear.

Natera, Inc.
Classification: Uncertain significance for Becker muscular dystrophy; Cardiomyopathy; Duchenne muscular dystrophy; Dystrophin deficiency. Last evaluated: 2020-02-14. Review status: no assertion criteria provided. Collection method: clinical testing. Allele origin: germline. Not counted in ClinVar's aggregate classification.